The following is an entry in ClinVar:

NM_001378615.1(CC2D2A):c.1355A>C (p.Asp452Ala)

Genes: CC2D2A (coiled-coil and C2 domain containing 2A; plus strand), FBXL5 (F-box and leucine rich repeat protein 5; minus strand). Cytogenetic location: 4p15.32.
Variant type: single nucleotide variant.
Coding change: c.1355A>C on transcript NM_001378615.1 (MANE Select); coding-DNA position 1355, A replaced by C.
Protein change: p.Asp452Ala; replaces aspartic acid 452 with alanine.
Molecular consequence: missense variant.
Genome position (GRCh38, 1-based): chr4:15,527,652, A>C. VCF-style: chr4-15527652-A-C. GRCh37 (hg19) VCF-style: chr4-15529275-A-C.
Other names: c.1355A>C, p.Asp452Ala (NM_001080522.2); c.1208A>C, p.Asp403Ala (NM_001378617.1); short protein forms D403A, D452A.
Identifiers: ClinVar variation 1809943 (VCV001809943.1), dbSNP rs2474952558, ClinGen allele CA356410557.
Genomic context (GRCh38, chr4:15,527,652, plus strand): 5'-CCCAGTTATATGACCAGTACCTTGCAAGACACCAGAGAAACAAGGCGAAATTTCTTACTG[A>C]TAAGGTACATGTGATTTCTTCCATAATGATTGTCAATGGAGTTGGTTCTTCCAATGAGCC-3'
Protein context (NP_001365544.1, residues 442-462): HQRNKAKFLT[Asp452Ala]KLQALRNAVQ

ClinVar aggregate classification (germline): Uncertain significance (1 of 4 stars; one submission).

gnomAD v4.1: 4 of 1,600,524 alleles (0.00025%); highest among the groups gnomAD compares: Non-Finnish European, 0.00034%; no homozygotes.

Submission:

GeneDx
Classification: Uncertain significance. Last evaluated: 2022-06-29. Review status: criteria provided, single submitter. Criteria: GeneDx Variant Classification Process June 2021. Collection method: clinical testing. Allele origin: germline. Affected: yes.
Comment: Not observed at significant frequency in large population cohorts (gnomAD); In silico analysis supports that this missense variant has a deleterious effect on protein structure/function; Has not been previously published as pathogenic or benign to our knowledge